The following is an entry in ClinVar:

ClinVar aggregate classification (germline): Uncertain significance. Review status: criteria provided, multiple submitters, no conflicts (2 of 4 stars). 3 submissions from 3 submitters: Uncertain significance (3). Last evaluated 2025-02-19.

Conditions:
Inborn genetic diseases. Identifiers: MedGen C0950123, MeSH D030342.
Inflammatory skin and bowel disease, neonatal, 1. Identifiers: Orphanet 294023, MedGen C3280501, MONDO:0013693, OMIM 614328.

Allele frequency attached by ClinVar (database versions not stated): gnomAD exomes 0.00002; gnomAD 0.00003 and 0.00004; ExAC 0.00002; TOPMed 0.00006.
gnomAD v4.1: 28 of 1,608,648 alleles (0.0017%); highest among the groups gnomAD compares: Middle Eastern, 0.016%; no homozygotes.

Submissions (3):

Mayo Clinic Laboratories, Mayo Clinic
Classification: Uncertain significance. Last evaluated: 2025-02-19. Review status: criteria provided, single submitter. Criteria: ACMG Guidelines, 2015. Collection method: clinical testing. Allele origin: germline. Observed: 1 variant allele.
Comment: BP4

Ambry Genetics
Classification: Uncertain significance for Inborn genetic diseases. Last evaluated: 2023-12-28. Review status: criteria provided, single submitter. Criteria: Ambry Variant Classification Scheme 2023. Collection method: clinical testing. Allele origin: germline.

Labcorp Genetics (formerly Invitae), Labcorp
Classification: Uncertain significance for Inflammatory skin and bowel disease, neonatal, 1. Last evaluated: 2022-05-17. Review status: criteria provided, single submitter. Criteria: Invitae Variant Classification Sherloc (09022015). Collection method: clinical testing. Allele origin: germline.
Comment: This sequence change replaces serine, which is neutral and polar, with leucine, which is neutral and non-polar, at codon 54 of the ADAM17 protein (p.Ser54Leu). This variant is present in population databases (rs765820179, gnomAD 0.01%). This variant has not been reported in the literature in individuals affected with ADAM17-related conditions. Algorithms developed to predict the effect of missense changes on protein structure and function are either unavailable or do not agree on the potential impact of this missense change (SIFT: "Not Available"; PolyPhen-2: "Probably Damaging"; Align-GVGD: "Not Available"). In summary, the available evidence is currently insufficient to determine the role of this variant in disease. Therefore, it has been classified as a Variant of Uncertain Significance.

NM_003183.6(ADAM17):c.161C>T (p.Ser54Leu)

Gene: ADAM17 (ADAM metallopeptidase domain 17; minus strand). Cytogenetic location: 2p25.1.
Variant type: single nucleotide variant.
Coding change: c.161C>T on transcript NM_003183.6 (MANE Select); coding-DNA position 161, C replaced by T.
Protein change: p.Ser54Leu; replaces serine 54 with leucine.
Molecular consequence: missense variant. On other transcripts: 5 prime UTR variant (2).
Genome position (GRCh38, 1-based): chr2:9,543,222, G>A on the plus strand (C>T on the coding strand, the complement: ADAM17 is on the minus strand). VCF-style: chr2-9543222-G-A. GRCh37 (hg19) VCF-style: chr2-9683351-G-A.
Other names: p.Ser54Leu; c.-520C>T (NM_001382777.1); c.-762C>T (NM_001382778.1); c.161C>T (NM_003183.4); short protein forms S54L.
Identifiers: ClinVar variation 1357685 (VCV001357685.7), dbSNP rs765820179, ClinGen allele CA1523853.
Genomic context (GRCh38, chr2:9,543,222, plus strand): 5'-GCTGAAAAAGTTAGTAGTGTTTCTACATGTGTTGAAGTCTGTAGATCTCTTTTTCTTACC[G>A]AATGCTGCTGGATATTAGATAAAGAGAGAATATCGTAGTCTGAGAGCAAAGAATCAAGCT-3'
Protein context (NP_003174.3, residues 44-64): ILSLSNIQQH[Ser54Leu]VRKRDLQTST